The following is an entry in ClinVar:

NM_001134888.3(RTL1):c.3786C>T (p.Asn1262=)

Gene: RTL1 (retrotransposon Gag like 1; minus strand). Cytogenetic location: 14q32.2.
Variant type: single nucleotide variant.
Coding change: c.3786C>T on transcript NM_001134888.3 (MANE Select); coding-DNA position 3786, C replaced by T.
Protein change: p.Asn1262=; no amino-acid change (asparagine 1262 retained).
Molecular consequence: synonymous variant.
Genome position (GRCh38, 1-based): chr14:100,881,003, G>A on the plus strand (C>T on the coding strand, the complement: RTL1 is on the minus strand). VCF-style: chr14-100881003-G-A. GRCh37 (hg19) VCF-style: chr14-101347340-G-A.
Other names: c.3786C>T, p.Asn1262= (NM_001425285.1).
Identifiers: ClinVar variation 3388483 (VCV003388483.14).

ClinVar aggregate classification (germline): Likely benign (1 of 4 stars; one submission).

gnomAD v4.1: 29 of 1,574,744 alleles (0.0018%); highest among the groups gnomAD compares: African/African-American, 0.02%; no homozygotes.

Submission:

CeGaT Center for Human Genetics Tuebingen
Classification: Likely benign. Last evaluated: 2024-10-01. Review status: criteria provided, single submitter. Criteria: CeGaT Center For Human Genetics Tuebingen Variant Classification Criteria Version 2. Collection method: clinical testing. Allele origin: germline. Affected: yes. Observed: 1 variant allele.
Comment: RTL1: BP4, BP7